The following is an entry in ClinVar:

NM_001128840.3(CACNA1D):c.3369C>A (p.Asn1123Lys)

Genes: CACNA1D (calcium voltage-gated channel subunit alpha1 D; plus strand), LOC129936904 (ATAC-STARR-seq lymphoblastoid active region 19969; plus strand). Cytogenetic location: 3p21.1.
Variant type: single nucleotide variant.
Coding change: c.3369C>A on transcript NM_001128840.3 (MANE Select); coding-DNA position 3369, C replaced by A.
Protein change: p.Asn1123Lys; replaces asparagine 1123 with lysine.
Molecular consequence: missense variant.
Genome position (GRCh38, 1-based): chr3:53,749,322, C>A. VCF-style: chr3-53749322-C-A. GRCh37 (hg19) VCF-style: chr3-53783349-C-A.
Other names: c.3429C>A, p.Asn1143Lys (NM_000720.4); c.3369C>A, p.Asn1123Lys (NM_001128839.3); short protein forms N1123K, N1143K.
Identifiers: ClinVar variation 1338002 (VCV001338002.14), dbSNP rs753177006, ClinGen allele CA2454564.

ClinVar aggregate classification (germline): Uncertain significance. Review status: criteria provided, multiple submitters, no conflicts (2 of 4 stars). 3 submissions from 3 submitters: Uncertain significance (3). Last evaluated 2025-02-20.

Allele frequency attached by ClinVar (database versions not stated): TOPMed below 0.00001; gnomAD exomes 0.00001 and 0.00004; ExAC 0.00002.
gnomAD v4.1: 10 of 1,613,814 alleles (0.00062%); highest among the groups gnomAD compares: Admixed American, 0.017%; no homozygotes.

Submissions (3):

Labcorp Genetics (formerly Invitae), Labcorp
Classification: Uncertain significance. Last evaluated: 2025-02-20. Review status: criteria provided, single submitter. Criteria: Invitae Variant Classification Sherloc (09022015). Collection method: clinical testing. Allele origin: germline.
Comment: This sequence change replaces asparagine, which is neutral and polar, with lysine, which is basic and polar, at codon 1143 of the CACNA1D protein (p.Asn1143Lys). This variant is present in population databases (rs753177006, gnomAD 0.03%). This variant has not been reported in the literature in individuals affected with CACNA1D-related conditions. ClinVar contains an entry for this variant (Variation ID: 1338002). Invitae Evidence Modeling of protein sequence and biophysical properties (such as structural, functional, and spatial information, amino acid conservation, physicochemical variation, residue mobility, and thermodynamic stability) has been performed for this missense variant. However, the output from this modeling did not meet the statistical confidence thresholds required to predict the impact of this variant on CACNA1D protein function. In summary, the available evidence is currently insufficient to determine the role of this variant in disease. Therefore, it has been classified as a Variant of Uncertain Significance.

Genetic Services Laboratory, University of Chicago
Classification: Uncertain significance. Last evaluated: 2021-06-25. Review status: criteria provided, single submitter. Criteria: ACMG Guidelines, 2015. Collection method: clinical testing. Allele origin: germline. Affected: no.
Comment: DNA sequence analysis of the CACNA1D gene demonstrated a sequence change, c.3429C>A, in exon 28 that results in an amino acid change, p.Asn1143Lys. This sequence change has been described in the gnomAD database with a frequency of 0.029% in the Latino/Admixed American subpopulation (dbSNP rs753177006). The p.Asn1143Lys change affects a highly conserved amino acid residue located in a domain of the CACNA1D protein that is known to be functional. The p.Asn1143Lys substitution appears to be deleterious using several in-silico pathogenicity prediction tools (SIFT, PolyPhen2, Align GVGD, REVEL). This sequence change does not appear to have been previously described in individuals with CACNA1D-related disorders. Due to insufficient evidences and the lack of functional studies, the clinical significance of the p.Asn1143Lys change remains unknown at this time.

Revvity Omics, Revvity
Classification: Uncertain significance. Last evaluated: 2020-10-23. Review status: criteria provided, single submitter. Criteria: ACMG Guidelines, 2015. Collection method: clinical testing. Allele origin: germline.